The following is an entry in ClinVar:

ClinVar aggregate classification (germline): Likely benign (1 of 4 stars; one submission).

Allele frequency attached by ClinVar (database versions not stated): TOPMed 0.00003; gnomAD 0.00006; gnomAD exomes 0.00013; ExAC 0.00035; 1000 Genomes Project 0.00060; 1000 Genomes Project 30x 0.00062.

Submission:

CeGaT Center for Human Genetics Tuebingen
Classification: Likely benign. Last evaluated: 2022-04-01. Review status: criteria provided, single submitter. Criteria: CeGaT Center For Human Genetics Tuebingen Variant Classification Criteria Version 2. Collection method: clinical testing. Allele origin: germline. Affected: yes. Observed: 1 variant allele.
Comment: ZNF280A: BP4, BP7

NM_080740.5(ZNF280A):c.48T>C (p.Asn16=)

Genes: IGL (immunoglobulin lambda locus; plus strand), ZNF280A (zinc finger protein 280A; minus strand). Cytogenetic location: 22q11.22.
Variant type: single nucleotide variant.
Coding change: c.48T>C on transcript NM_080740.5 (MANE Select); coding-DNA position 48, T replaced by C.
Protein change: p.Asn16=; no amino-acid change (asparagine 16 retained).
Molecular consequence: synonymous variant.
Genome position (GRCh38, 1-based): chr22:22,515,583, A>G on the plus strand (T>C on the coding strand, the complement: ZNF280A is on the minus strand). VCF-style: chr22-22515583-A-G. GRCh37 (hg19) VCF-style: chr22-22869907-A-G.
Identifiers: ClinVar variation 2652955 (VCV002652955.24), dbSNP rs543285217, ClinGen allele CA10132210.